The following is an entry in ClinVar:

ClinVar aggregate classification (germline): Conflicting classifications of pathogenicity. Review status: criteria provided, conflicting classifications (1 of 4 stars). 6 submissions from 6 submitters: Uncertain significance (1); Likely benign (5). Last evaluated 2025-12-20.

Conditions:
TTN-related disorder. Also called: TTN-related condition; TTN-related disease; TTN-related disorders.
Cardiovascular phenotype. Identifiers: MedGen CN230736.
Autosomal recessive limb-girdle muscular dystrophy type 2J (LGMDR10). Also called: Limb-girdle muscular dystrophy, type 2J; MUSCULAR DYSTROPHY, LIMB-GIRDLE, AUTOSOMAL RECESSIVE 10. Identifiers: Orphanet 140922, MedGen C1837342, MONDO:0012127, OMIM 608807.
Dilated cardiomyopathy 1G (CMD1G). Identifiers: Orphanet 154, MedGen C1858763, MONDO:0011400, OMIM 604145.

Allele frequency attached by ClinVar (database versions not stated): gnomAD exomes 0.00001; ExAC 0.00002; gnomAD 0.00004; TOPMed 0.00004.
gnomAD v4.1: 17 of 1,613,496 alleles (0.0011%); highest among the groups gnomAD compares: Admixed American, 0.005%; no homozygotes.

Submissions (6):

Labcorp Genetics (formerly Invitae), Labcorp
Classification: Likely benign for Dilated cardiomyopathy 1G; Autosomal recessive limb-girdle muscular dystrophy type 2J. Last evaluated: 2025-12-20. Review status: criteria provided, single submitter. Criteria: Invitae Variant Classification Sherloc (09022015). Collection method: clinical testing. Allele origin: germline.

PreventionGenetics, part of Exact Sciences
Classification: Likely benign for TTN-related condition. Last evaluated: 2025-10-31. Review status: criteria provided, single submitter. Criteria: ACMG Guidelines, 2015. Collection method: clinical testing. Allele origin: germline.
Comment: This variant is classified as likely benign based on ACMG/AMP sequence variant interpretation guidelines (Richards et al. 2015 PMID: 25741868, with internal and published modifications).

GeneDx
Classification: Likely benign. Last evaluated: 2020-05-08. Review status: criteria provided, single submitter. Criteria: GeneDx Variant Classification Process June 2021. Collection method: clinical testing. Allele origin: germline. Affected: yes.

Ambry Genetics
Classification: Likely benign for Cardiovascular phenotype. Last evaluated: 2019-09-23. Review status: criteria provided, single submitter. Criteria: Ambry Variant Classification Scheme 2023. Collection method: clinical testing. Allele origin: germline.

Eurofins Ntd Llc (ga)
Classification: Uncertain significance. Last evaluated: 2017-04-18. Review status: criteria provided, single submitter. Criteria: EGL Classification Definitions 2015. Collection method: clinical testing. Allele origin: germline. Observed: 1 variant allele, 1 heterozygote.

Laboratory for Molecular Medicine, Mass General Brigham Personalized Medicine
Classification: Likely benign. Last evaluated: 2012-11-21. Review status: criteria provided, single submitter. Criteria: LMM Criteria. Collection method: clinical testing. Allele origin: germline. Observed: 1 variant allele.
Comment: Gly26402Gly in exon 276 of TTN: This variant is not expected to have clinical si gnificance because it does not alter an amino acid residue, and is not located w ithin the splice consensus sequence. Gly26402Gly in exon 276 of TTN (allele fre quency= n/a)

NM_001267550.2(TTN):c.86910C>T (p.Gly28970=)

Genes: TTN (titin; minus strand), TTN-AS1 (TTN antisense RNA 1; plus strand). Cytogenetic location: 2q31.2.
Variant type: single nucleotide variant.
Coding change: c.86910C>T on transcript NM_001267550.2 (MANE Select); coding-DNA position 86910, C replaced by T.
Protein change: p.Gly28970=; no amino-acid change (glycine 28970 retained).
Molecular consequence: synonymous variant.
Genome position (GRCh38, 1-based): chr2:178,558,549, G>A on the plus strand (C>T on the coding strand, the complement: TTN is on the minus strand). VCF-style: chr2-178558549-G-A. GRCh37 (hg19) VCF-style: chr2-179423276-G-A.
Other names: c.79206C>T, p.Gly26402= (NM_133378.4); c.81987C>T, p.Gly27329= (NM_001256850.1); c.59715C>T, p.Gly19905= (NM_003319.4); c.60090C>T, p.Gly20030= (NM_133432.3); c.60291C>T, p.Gly20097= (NM_133437.4).
Identifiers: ClinVar variation 47459 (VCV000047459.23), dbSNP rs397517736, ClinGen allele CA141064.